The following is an entry in ClinVar:

ClinVar aggregate classification (germline): Pathogenic/Likely pathogenic. Review status: criteria provided, multiple submitters, no conflicts (2 of 4 stars). 2 submissions from 2 submitters: Pathogenic (1); Likely pathogenic (1). Last evaluated 2023-02-24.

Conditions:
ADGRV1-related disorder. Also called: ADGRV1-related condition; ADGRV1-related disorders.

Submissions (2):

Labcorp Genetics (formerly Invitae), Labcorp
Classification: Pathogenic. Last evaluated: 2023-02-24. Review status: criteria provided, single submitter. Criteria: Invitae Variant Classification Sherloc (09022015). Collection method: clinical testing. Allele origin: germline.
Comment: For these reasons, this variant has been classified as Pathogenic. This variant has not been reported in the literature in individuals affected with ADGRV1-related conditions. This variant is present in population databases (no rsID available, gnomAD 0.001%). This sequence change creates a premature translational stop signal (p.Gln2238Serfs*4) in the ADGRV1 gene. It is expected to result in an absent or disrupted protein product. Loss-of-function variants in ADGRV1 are known to be pathogenic (PMID: 19357117, 22135276, 22147658, 26226137, 30718709, 31047384, 32467589).

Blueprint Genetics
Classification: Likely pathogenic for ADGRV1-related disorders. Last evaluated: 2019-03-06. Review status: criteria provided, single submitter. Criteria: ACMG Guidelines, 2015. Collection method: clinical testing. Allele origin: germline. Affected: yes. Observed: 1 variant allele.

Literature cited by the submitters: PubMed 19357117 (cited by Labcorp Genetics (formerly Invitae), Labcorp); PubMed 22135276 (cited by Labcorp Genetics (formerly Invitae), Labcorp); PubMed 22147658 (cited by Labcorp Genetics (formerly Invitae), Labcorp); PubMed 26226137 (cited by Labcorp Genetics (formerly Invitae), Labcorp); PubMed 30718709 (cited by Labcorp Genetics (formerly Invitae), Labcorp); PubMed 31047384 (cited by Labcorp Genetics (formerly Invitae), Labcorp); PubMed 32467589 (cited by Labcorp Genetics (formerly Invitae), Labcorp).

NM_032119.4(ADGRV1):c.6711dup (p.Gln2238fs)

Gene: ADGRV1 (adhesion G protein-coupled receptor V1; plus strand). Cytogenetic location: 5q14.3.
Variant type: Duplication.
Coding change: c.6711dup on transcript NM_032119.4 (MANE Select); coding-DNA position 6711, one base duplicated (T; older notation c.6711dupT).
Protein change: p.Gln2238fs; shifts the reading frame from glutamine 2238.
Molecular consequence: frameshift variant. On other transcripts: non-coding transcript variant (1).
Genome position (GRCh38, 1-based): chr5:90,690,801, T duplicated; the last of 4 consecutive T bases (chr5:90,690,798-90,690,801); duplicating any one gives the same sequence. VCF-style (leftmost placement, unchanged base first): chr5-90690797-G-GT. GRCh37 (hg19) VCF-style: chr5-89986614-G-GT.
Other names: short protein forms Q2238fs.
Identifiers: ClinVar variation 2839185 (VCV002839185.4), dbSNP rs1561534888, ClinGen allele CA561259766.